The following is an entry in ClinVar:

ClinVar aggregate classification (germline): Uncertain significance (1 of 4 stars; one submission).

Allele frequency attached by ClinVar (database versions not stated): TOPMed below 0.00001; gnomAD exomes 0.00001.
gnomAD v4.1: 3 of 1,614,148 alleles (0.00019%); highest among the groups gnomAD compares: Admixed American, 0.005%; no homozygotes.

Submission:

Labcorp Genetics (formerly Invitae), Labcorp
Classification: Uncertain significance. Last evaluated: 2024-12-02. Review status: criteria provided, single submitter. Criteria: Invitae Variant Classification Sherloc (09022015). Collection method: clinical testing. Allele origin: germline.
Comment: This sequence change replaces leucine, which is neutral and non-polar, with methionine, which is neutral and non-polar, at codon 116 of the SIAE protein (p.Leu116Met). This variant is present in population databases (no rsID available, gnomAD 0.006%). This variant has not been reported in the literature in individuals affected with SIAE-related conditions. ClinVar contains an entry for this variant (Variation ID: 1937097). An algorithm developed to predict the effect of missense changes on protein structure and function (PolyPhen-2) suggests that this variant is likely to be disruptive. In summary, the available evidence is currently insufficient to determine the role of this variant in disease. Therefore, it has been classified as a Variant of Uncertain Significance.

NM_170601.5(SIAE):c.346C>A (p.Leu116Met)

Gene: SIAE (sialic acid acetylesterase; minus strand). Cytogenetic location: 11q24.2.
Variant type: single nucleotide variant.
Coding change: c.346C>A on transcript NM_170601.5 (MANE Select); coding-DNA position 346, C replaced by A.
Protein change: p.Leu116Met; replaces leucine 116 with methionine.
Molecular consequence: missense variant.
Genome position (GRCh38, 1-based): chr11:124,660,687, G>T on the plus strand (C>A on the coding strand, the complement: SIAE is on the minus strand). VCF-style: chr11-124660687-G-T. GRCh37 (hg19) VCF-style: chr11-124530583-G-T.
Other names: c.241C>A, p.Leu81Met (NM_001199922.2); short protein forms L116M, L81M.
Identifiers: ClinVar variation 1937097 (VCV001937097.5), dbSNP rs1035739585, ClinGen allele CA230364978.